The following is an entry in ClinVar:

ClinVar aggregate classification (germline): Uncertain significance. Review status: criteria provided, multiple submitters, no conflicts (2 of 4 stars). 3 submissions from 3 submitters: Uncertain significance (3). Last evaluated 2024-02-20.

Conditions:
Nephrolithiasis susceptibility caused by SLC26A1 (CAON1). Also called: NEPHROLITHIASIS, CALCIUM OXALATE, 1. Identifiers: MedGen C5779632, MONDO:0020722, OMIM 167030.
Hypersulfaturia (HYSULF). Identifiers: MedGen C5830511, MONDO:0957268, OMIM 620372.
Inborn genetic diseases. Identifiers: MedGen C0950123, MeSH D030342.

Allele frequency attached by ClinVar (database versions not stated): gnomAD exomes below 0.00001 and 0.00001; gnomAD 0.00001.
gnomAD v4.1: 17 of 1,561,642 alleles (0.0011%); highest among the groups gnomAD compares: East Asian, 0.0071%; no homozygotes.

Submissions (3):

Fulgent Genetics
Classification: Uncertain significance for Nephrolithiasis susceptibility caused by SLC26A1; Hypersulfaturia. Last evaluated: 2024-02-20. Review status: criteria provided, single submitter. Criteria: ACMG Guidelines, 2015. Collection method: clinical testing. Allele origin: germline.

Labcorp Genetics (formerly Invitae), Labcorp
Classification: Uncertain significance. Last evaluated: 2022-10-28. Review status: criteria provided, single submitter. Criteria: Invitae Variant Classification Sherloc (09022015). Collection method: clinical testing. Allele origin: germline.
Comment: In summary, the available evidence is currently insufficient to determine the role of this variant in disease. Therefore, it has been classified as a Variant of Uncertain Significance. Advanced modeling of protein sequence and biophysical properties (such as structural, functional, and spatial information, amino acid conservation, physicochemical variation, residue mobility, and thermodynamic stability) performed at Invitae indicates that this missense variant is not expected to disrupt SLC26A1 protein function. ClinVar contains an entry for this variant (Variation ID: 1443778). This variant has not been reported in the literature in individuals affected with SLC26A1-related conditions. This variant is present in population databases (rs745511682, gnomAD 0.02%). This sequence change replaces glutamine, which is neutral and polar, with histidine, which is basic and polar, at codon 258 of the SLC26A1 protein (p.Gln258His).

Ambry Genetics
Classification: Uncertain significance for Inborn genetic diseases. Last evaluated: 2021-10-12. Review status: criteria provided, single submitter. Criteria: Ambry Variant Classification Scheme 2023. Collection method: clinical testing. Allele origin: germline.

NM_022042.4(SLC26A1):c.774G>C (p.Gln258His)

Genes: IDUA (alpha-L-iduronidase; plus strand), SLC26A1 (solute carrier family 26 member 1; minus strand). Cytogenetic location: 4p16.3.
Variant type: single nucleotide variant.
Coding change: c.774G>C on transcript NM_022042.4 (MANE Select); coding-DNA position 774, G replaced by C.
Protein change: p.Gln258His; replaces glutamine 258 with histidine.
Molecular consequence: missense variant. On other transcripts: intron variant (2).
Genome position (GRCh38, 1-based): chr4:990,165, C>G on the plus strand (G>C on the coding strand, the complement: SLC26A1 is on the minus strand). VCF-style: chr4-990165-C-G. GRCh37 (hg19) VCF-style: chr4-983953-C-G.
Other names: c.774G>C (NM_213613.2); c.774G>C, p.Gln258His (NM_213613.4); c.576+963G>C (NM_134425.4); c.299+2216C>G (NM_000203.5); short protein forms Q258H.
Identifiers: ClinVar variation 1443778 (VCV001443778.9), dbSNP rs745511682, ClinGen allele CA2801550.
Genomic context (GRCh38, chr4:990,165, plus strand): 5'-CTTCGCGGCTAGCAGCACCGCCAGGCACACCGTGCTGGTGACCACGTCGCACACGTTGGC[C>G]TGCCCGGCGCCGCGCAGCAGGCTCAGCCATGTGAGGACCACCATGCCGGGCCCCTGGTGC-3'
Protein context (NP_071325.2, residues 248-268): TWLSLLRGAG[Gln258His]ANVCDVVTST